The following is an entry in ClinVar:

NM_000051.4(ATM):c.5011G>T (p.Val1671Phe)

Gene: ATM (ATM serine/threonine kinase; plus strand). Cytogenetic location: 11q22.3.
Variant type: single nucleotide variant.
Coding change: c.5011G>T on transcript NM_000051.4 (MANE Select); coding-DNA position 5011, G replaced by T.
Protein change: p.Val1671Phe; replaces valine 1671 with phenylalanine.
Molecular consequence: missense variant.
Genome position (GRCh38, 1-based): chr11:108,299,719, G>T. VCF-style: chr11-108299719-G-T. GRCh37 (hg19) VCF-style: chr11-108170446-G-T.
Other names: c.5011G>T, p.Val1671Phe (NM_001351834.2); short protein forms V1671F.
Identifiers: ClinVar variation 389279 (VCV000389279.18), dbSNP rs1057523385, ClinGen allele CA16605809.
Genomic context (GRCh38, chr11:108,299,719, plus strand): 5'-TTTTATGTATGATCTCTTACCTATGACTCTACTGAAATAGAATTTCTATATGTAGAGGCT[G>T]TTGGAAGCTGCTTGGGAGAAGTGGGTCCTATAGATTTCTCTACCATAGCTATACAACATA-3'
Protein context (NP_000042.3, residues 1661-1681): HTGEKEVLEA[Val1671Phe]GSCLGEVGPI

ClinVar aggregate classification (germline): Conflicting classifications of pathogenicity. Review status: criteria provided, conflicting classifications (1 of 4 stars). 4 submissions from 4 submitters: Likely pathogenic (1); Uncertain significance (3). Last evaluated 2025-11-14.

Conditions:
Hereditary cancer-predisposing syndrome. Also called: Neoplastic Syndromes, Hereditary; Hereditary neoplastic syndrome; Tumor predisposition; Hereditary Cancer Syndrome. Identifiers: Orphanet 140162, MedGen C0027672, MeSH D009386, MONDO:0015356.
Ataxia-telangiectasia syndrome (AT). Also called: AT, COMPLEMENTATION GROUP C; ATAXIA-TELANGIECTASIA, COMPLEMENTATION GROUP A; ATAXIA-TELANGIECTASIA, FRESNO VARIANT; LOUIS-BAR SYNDROME; Ataxia-telangiectasia; Cerebello-oculocutaneous telangiectasia. Identifiers: Orphanet 100, MedGen C0004135, MONDO:0008840, OMIM 208900.

Allele frequency attached by ClinVar (database versions not stated): gnomAD exomes below 0.00001.
gnomAD v4.1: 2 of 1,613,690 alleles (0.00012%); highest among the groups gnomAD compares: Non-Finnish European, 0.00017%; no homozygotes.

Submissions (4):

Labcorp Genetics (formerly Invitae), Labcorp
Classification: Uncertain significance for Ataxia-telangiectasia syndrome. Last evaluated: 2025-11-14. Review status: criteria provided, single submitter. Criteria: Invitae Variant Classification Sherloc (09022015). Collection method: clinical testing. Allele origin: germline.
Comment: This sequence change replaces valine, which is neutral and non-polar, with phenylalanine, which is neutral and non-polar, at codon 1671 of the ATM protein (p.Val1671Phe). This variant is not present in population databases (gnomAD no frequency). This variant has not been reported in the literature in individuals affected with ATM-related conditions. ClinVar contains an entry for this variant (Variation ID: 389279). Invitae Evidence Modeling of protein sequence and biophysical properties (such as structural, functional, and spatial information, amino acid conservation, physicochemical variation, residue mobility, and thermodynamic stability) indicates that this missense variant is not expected to disrupt ATM protein function with a negative predictive value of 95%. In summary, the available evidence is currently insufficient to determine the role of this variant in disease. Therefore, it has been classified as a Variant of Uncertain Significance.

Ambry Genetics
Classification: Uncertain significance for Hereditary cancer-predisposing syndrome. Last evaluated: 2023-10-19. Review status: criteria provided, single submitter. Criteria: Ambry Variant Classification Scheme 2023. Collection method: clinical testing. Allele origin: germline.
Comment: The p.V1671F variant (also known as c.5011G>T), located in coding exon 33 of the ATM gene, results from a G to T substitution at nucleotide position 5011. The valine at codon 1671 is replaced by phenylalanine, an amino acid with highly similar properties. This amino acid position is well conserved in available vertebrate species. In addition, the in silico prediction for this alteration is inconclusive. Since supporting evidence is limited at this time, the clinical significance of this alteration remains unclear.

Genetic Services Laboratory, University of Chicago
Classification: Likely pathogenic. Last evaluated: 2021-01-26. Review status: criteria provided, single submitter. Criteria: ACMG Guidelines, 2015. Collection method: clinical testing. Allele origin: germline. Affected: yes.
Comment: This sequence change does not appear to have been previously described in patients with ATM-related disorders. This sequence change has not been described in the large population databases like ExAC and gnomAD (dbSNP rs1057523385). The p.Val1671Phe change affects a moderately conserved amino acid residue located in a domain of the ATM protein that is known to be functional. In-silico pathogenicity prediction tools (SIFT, PolyPhen2, Align GVGD, REVEL) provide contradictory results for the p.Val1671Phe substitution. Given the above we classify this variant as Likely Pathogenic (ACMG/AMP criteria used: PM2, PM3, PP1, PP4)

GeneDx
Classification: Uncertain significance. Last evaluated: 2016-09-16. Review status: criteria provided, single submitter. Criteria: GeneDx Variant Classification (06012015). Collection method: clinical testing. Allele origin: germline. Affected: yes.
Comment: The V1671F variant in the ATM gene has not been reported previously as a pathogenic variant, nor as a benign variant, to our knowledge. The V1671F variant was not observed in approximately 6500 individuals of European and African American ancestry in the NHLBI Exome Sequencing Project, indicating it is not a common benign variant in these populations. The V1671F variant is a semi-conservative amino acid substitution, which may impact secondary protein structure as these residues differ in some properties. This substitution occurs at a position where amino acids with similar properties to Valine are tolerated across species, and is not located in a known functional domain (Tavtigian et al., 2009; Stracker et al., 2013). In silico analysis predicts this variant is probably damaging to the protein structure/function. We interpret V1671F as a variant of uncertain significance.